The following is an entry in ClinVar:

ClinVar aggregate classification (germline): Uncertain significance (1 of 4 stars; one submission).

Submission:

Labcorp Genetics (formerly Invitae), Labcorp
Classification: Uncertain significance. Last evaluated: 2026-01-07. Review status: criteria provided, single submitter. Criteria: Invitae Variant Classification Sherloc (09022015). Collection method: clinical testing. Allele origin: germline.
Comment: This sequence change replaces glutamic acid, which is acidic and polar, with glutamine, which is neutral and polar, at codon 871 of the OPA1 protein (p.Glu871Gln). This variant is not present in population databases (gnomAD no frequency). This variant has not been reported in the literature in individuals affected with OPA1-related conditions. An algorithm developed to predict the effect of missense changes on protein structure and function (PolyPhen-2) suggests that this variant is likely to be tolerated. In summary, the available evidence is currently insufficient to determine the role of this variant in disease. Therefore, it has been classified as a Variant of Uncertain Significance.

NM_130837.3(OPA1):c.2776G>C (p.Glu926Gln)

Gene: OPA1 (OPA1 mitochondrial dynamin like GTPase; plus strand). Cytogenetic location: 3q29.
Variant type: single nucleotide variant.
Coding change: c.2776G>C on transcript NM_130837.3 (MANE Select); coding-DNA position 2776, G replaced by C.
Protein change: p.Glu926Gln; replaces glutamic acid 926 with glutamine.
Molecular consequence: missense variant.
Genome position (GRCh38, 1-based): chr3:193,664,994, G>C. VCF-style: chr3-193664994-G-C. GRCh37 (hg19) VCF-style: chr3-193382783-G-C.
Other names: c.2242G>C, p.Glu748Gln (NM_001354663.2); c.2239G>C, p.Glu747Gln (NM_001354664.2); c.2611G>C, p.Glu871Gln (NM_015560.3); c.2503G>C, p.Glu835Gln (NM_130831.3); c.2557G>C, p.Glu853Gln (NM_130832.3); c.2614G>C, p.Glu872Gln (NM_130833.3); c.2665G>C, p.Glu889Gln (NM_130834.3); c.2668G>C, p.Glu890Gln (NM_130835.3); and 1 more; short protein forms E748Q, E890Q, E747Q, E835Q, E853Q, E889Q, E908Q, E871Q.
Identifiers: ClinVar variation 4712226 (VCV004712226.1).